The following is an entry in ClinVar:

NM_001370259.2(MEN1):c.1351-2_*132del

Gene: MEN1 (menin 1; minus strand). Cytogenetic location: 11q13.1.
Variant type: Deletion.
Coding change: c.1351-2_*132del on transcript NM_001370259.2 (MANE Select); the canonical splice acceptor site of the intron before coding-DNA position 1351 through 132 bases downstream of the stop codon, 617 bases deleted.
Molecular consequence: splice acceptor variant.
Genome position (GRCh38, 1-based): chr11:64,804,202-64,804,818, 617 bases deleted. GRCh37 (hg19): chr11:64,571,677-64,572,293.
Other names: c.1366-2_*132del (NM_130803.3, NM_000244.4, NM_130801.3 and 3 more transcripts); c.1351-2_*132del (NM_130799.3, NM_001370260.2, NM_001370261.2); c.1477-2_*132del (NM_001370251.2); c.1246-2_*132del (NM_001370263.2, NM_001370262.2).
Identifiers: ClinVar variation 580649 (VCV000580649.9), dbSNP rs1565634591, ClinGen allele CA891843126.

ClinVar aggregate classification (germline): Pathogenic (1 of 4 stars; one submission).

Conditions:
Multiple endocrine neoplasia, type 1 (MEN1). Also called: MEN I; WERMER SYNDROME; Endocrine adenomatosis multiple; MEN 1; MEA I. Identifiers: Orphanet 652, MedGen C0025267, MeSH D018761, MONDO:0007540, OMIM 131100.

Submission:

Labcorp Genetics (formerly Invitae), Labcorp
Classification: Pathogenic for Multiple endocrine neoplasia, type 1. Last evaluated: 2018-04-13. Review status: criteria provided, single submitter. Criteria: Invitae Variant Classification Sherloc (09022015). Collection method: clinical testing. Allele origin: germline.
Comment: This deletion removes the functionally conserved nuclear localization signal of the MEN1 protein. Experimental studies have shown that disruption of this region abrogates the ability of MEN1 to bind DNA, regulate target gene expression, and inhibit cell proliferation (PMID: 15331604, 16449969). For these reasons, this variant has been classified as Pathogenic. Similar deletions of exon 10 of the MEN1 gene have been reported in an individual affected with multiple endocrine neoplasia type 1 (Invitae) and individuals in the Universal Mutation Database (PMID: 10612827). This variant is a gross deletion of the genomic region encompassing exon 10 of the MEN1 gene. The 5' boundary is located at c.1351-2 and the 3' end of this event is located at c.*132. While this deletion is not anticipated to result in nonsense mediated decay, it is expected to create a truncated protein product.

Literature cited by the submitters: PubMed 15331604; PubMed 16449969; PubMed 10612827.